The following is an entry in ClinVar:

NM_000337.6(SGCD):c.283C>T (p.Gln95Ter)

Gene: SGCD (sarcoglycan delta; plus strand). Cytogenetic location: 5q33.3.
Variant type: single nucleotide variant.
Coding change: c.283C>T on transcript NM_000337.6 (MANE Select); coding-DNA position 283, C replaced by T.
Protein change: p.Gln95Ter; replaces glutamine 95 with a stop codon.
Molecular consequence: nonsense.
Genome position (GRCh38, 1-based): chr5:156,508,691, C>T. VCF-style: chr5-156508691-C-T. GRCh37 (hg19) VCF-style: chr5-155935701-C-T.
Other names: c.280C>T, p.Gln94Ter (NM_001128209.2); c.283C>T, p.Gln95Ter (NM_172244.3); short protein forms Q94*, Q95*.
Identifiers: ClinVar variation 5013727 (VCV005013727.1).

ClinVar aggregate classification (germline): Pathogenic (1 of 4 stars; one submission).

Conditions:
Autosomal recessive limb-girdle muscular dystrophy type 2F (LGMDR6). Also called: Muscular dystrophy limb-girdle with delta-sarcoglyan deficiency; MUSCULAR DYSTROPHY, LIMB-GIRDLE, AUTOSOMAL RECESSIVE 6. Identifiers: Orphanet 219, MedGen C1832525, MONDO:0011028, OMIM 601287. Disease mechanism: Affects gamma-sarcoglycan and also disrupts the integrity of the entire sarcoglycan complex..

Submission:

Myriad Genetics, Inc.
Classification: Pathogenic for Autosomal recessive limb-girdle muscular dystrophy type 2F. Last evaluated: 2024-11-09. Review status: criteria provided, single submitter. Criteria: Myriad Autosomal Dominant, Autosomal Recessive and X-Linked Classification Criteria (2023). Collection method: clinical testing. Allele origin: unknown.
Comment: NM_000337.5(SGCD):c.283C>T(Q95*) is expected to be pathogenic in the context of delta-sarcoglycanopathy. This variant is predicted to lead to an abnormal or absent protein product due to the creation of a premature termination codon in SGCD, a gene where loss-of-function variants are known to be pathogenic. Please note: this variant was assessed in the context of healthy population screening.